The following is an entry in ClinVar:

NM_001737.5(C9):c.80A>G (p.Tyr27Cys)

Gene: C9 (complement C9; minus strand). Cytogenetic location: 5p13.1.
Variant type: single nucleotide variant.
Coding change: c.80A>G on transcript NM_001737.5 (MANE Select); coding-DNA position 80, A replaced by G.
Protein change: p.Tyr27Cys; replaces tyrosine 27 with cysteine.
Molecular consequence: missense variant.
Genome position (GRCh38, 1-based): chr5:39,342,194, T>C on the plus strand (A>G on the coding strand, the complement: C9 is on the minus strand). VCF-style: chr5-39342194-T-C. GRCh37 (hg19) VCF-style: chr5-39342296-T-C.
Other names: short protein forms Y27C.
Identifiers: ClinVar variation 1914753 (VCV001914753.5), dbSNP rs544541581, ClinGen allele CA117187973.

ClinVar aggregate classification (germline): Uncertain significance (1 of 4 stars; one submission).

Allele frequency attached by ClinVar (database versions not stated): gnomAD exomes below 0.00001; gnomAD 0.00001; 1000 Genomes Project 30x 0.00016; 1000 Genomes Project 0.00020.
gnomAD v4.1: 8 of 1,527,648 alleles (0.00052%); highest among the groups gnomAD compares: Admixed American, 0.0083%; no homozygotes.

Submission:

Labcorp Genetics (formerly Invitae), Labcorp
Classification: Uncertain significance. Last evaluated: 2023-05-22. Review status: criteria provided, single submitter. Criteria: Invitae Variant Classification Sherloc (09022015). Collection method: clinical testing. Allele origin: germline.
Comment: This variant has not been reported in the literature in individuals affected with C9-related conditions. In summary, the available evidence is currently insufficient to determine the role of this variant in disease. Therefore, it has been classified as a Variant of Uncertain Significance. An algorithm developed to predict the effect of missense changes on protein structure and function (PolyPhen-2) suggests that this variant is likely to be disruptive. ClinVar contains an entry for this variant (Variation ID: 1914753). This variant is not present in population databases (gnomAD no frequency). This sequence change replaces tyrosine, which is neutral and polar, with cysteine, which is neutral and slightly polar, at codon 27 of the C9 protein (p.Tyr27Cys).